The following is an entry in ClinVar:

ClinVar aggregate classification (germline): Uncertain significance. Review status: criteria provided, multiple submitters, no conflicts (2 of 4 stars). 3 submissions from 3 submitters: Uncertain significance (3). Last evaluated 2025-09-10.

Conditions:
Inborn genetic diseases. Identifiers: MedGen C0950123, MeSH D030342.
ALG8 congenital disorder of glycosylation. Also called: CONGENITAL DISORDER OF GLYCOSYLATION, TYPE Ih; CDG Ih; ALG8-CDG. Identifiers: Orphanet 79325, MedGen C2931002, MONDO:0011969, OMIM 608104.
Polycystic liver disease 3 with or without kidney cysts. Identifiers: MedGen C4693472, MONDO:0054743, OMIM 617874.

gnomAD v4.1: 6 of 1,614,142 alleles (0.00037%); highest among the groups gnomAD compares: Admixed American, 0.0067%; no homozygotes.

Submissions (3):

Labcorp Genetics (formerly Invitae), Labcorp
Classification: Uncertain significance for ALG8 congenital disorder of glycosylation. Last evaluated: 2025-09-10. Review status: criteria provided, single submitter. Criteria: Invitae Variant Classification Sherloc (09022015). Collection method: clinical testing. Allele origin: germline.
Comment: This sequence change replaces proline, which is neutral and non-polar, with alanine, which is neutral and non-polar, at codon 334 of the ALG8 protein (p.Pro334Ala). This variant is present in population databases (rs753052197, gnomAD 0.01%). This variant has not been reported in the literature in individuals affected with ALG8-related conditions. ClinVar contains an entry for this variant (Variation ID: 3574044). Invitae Evidence Modeling of protein sequence and biophysical properties (such as structural, functional, and spatial information, amino acid conservation, physicochemical variation, residue mobility, and thermodynamic stability) indicates that this missense variant is not expected to disrupt ALG8 protein function with a negative predictive value of 80%. In summary, the available evidence is currently insufficient to determine the role of this variant in disease. Therefore, it has been classified as a Variant of Uncertain Significance.

Ambry Genetics
Classification: Uncertain significance for Inborn genetic diseases. Last evaluated: 2025-05-26. Review status: criteria provided, single submitter. Criteria: Ambry Variant Classification Scheme 2023. Collection method: clinical testing. Allele origin: germline.

Fulgent Genetics
Classification: Uncertain significance for ALG8 congenital disorder of glycosylation; Polycystic liver disease 3 with or without kidney cysts. Last evaluated: 2024-02-26. Review status: criteria provided, single submitter. Criteria: ACMG Guidelines, 2015. Collection method: clinical testing. Allele origin: germline.

NM_024079.5(ALG8):c.1000C>G (p.Pro334Ala)

Gene: ALG8 (ALG8 alpha-1,3-glucosyltransferase; minus strand). Cytogenetic location: 11q14.1.
Variant type: single nucleotide variant.
Coding change: c.1000C>G on transcript NM_024079.5 (MANE Select); coding-DNA position 1000, C replaced by G.
Protein change: p.Pro334Ala; replaces proline 334 with alanine.
Molecular consequence: missense variant. On other transcripts: non-coding transcript variant (2), intron variant (7).
Genome position (GRCh38, 1-based): chr11:78,109,480, G>C on the plus strand (C>G on the coding strand, the complement: ALG8 is on the minus strand). VCF-style: chr11-78109480-G-C. GRCh37 (hg19) VCF-style: chr11-77820526-G-C.
Other names: c.1000C>G (NM_024079.4); c.1000C>G, p.Pro334Ala (NM_001007027.3, NM_001425222.1, NM_001425225.1 and 4 more transcripts); c.1003C>G, p.Pro335Ala (NM_001425219.1); c.985C>G, p.Pro329Ala (NM_001425220.1); c.959C>G, p.Ser320Cys (NM_001425221.1); c.994C>G, p.Pro332Ala (NM_001425223.1); c.1093C>G, p.Pro365Ala (NM_001425224.1); c.847C>G, p.Pro283Ala (NM_001425226.1, NM_001425236.1); and 10 more; short protein forms P162A, P267A, P283A, P149A, P246A, P335A, S320C, P329A.
Identifiers: ClinVar variation 3574044 (VCV003574044.3).